The following is an entry in ClinVar:

NM_001875.5(CPS1):c.4325A>G (p.Asn1442Ser)

Gene: CPS1 (carbamoyl-phosphate synthase 1; plus strand). Cytogenetic location: 2q34.
Variant type: single nucleotide variant.
Coding change: c.4325A>G on transcript NM_001875.5 (MANE Select); coding-DNA position 4325, A replaced by G.
Protein change: p.Asn1442Ser; replaces asparagine 1442 with serine.
Molecular consequence: missense variant. On other transcripts: non-coding transcript variant (2).
Genome position (GRCh38, 1-based): chr2:210,677,057, A>G. VCF-style: chr2-210677057-A-G. GRCh37 (hg19) VCF-style: chr2-211541781-A-G.
Other names: c.4325A>G, p.Asn1442Ser (NM_001122633.3, NM_001369257.1); c.4358A>G, p.Asn1453Ser (NM_001369256.1); short protein forms N1453S, N1442S.
Identifiers: ClinVar variation 2065292 (VCV002065292.4), dbSNP rs745894877, ClinGen allele CA350440980.

ClinVar aggregate classification (germline): Uncertain significance (1 of 4 stars; one submission).

Conditions:
Congenital hyperammonemia, type I. Also called: CPS I DEFICIENCY; Carbamoyl phosphate synthetase 1 deficiency; Hyperammonemia due to carbamoyl phosphate synthetase 1 deficiency; CPS 1 deficiency; Carbamyl phosphate synthetase (CPS) deficiency; Carbamoyl-phosphate synthase I deficiency. Identifiers: Orphanet 147, MedGen C4082171, MONDO:0009376, OMIM 237300.

gnomAD v4.1: 2 of 1,613,670 alleles (0.00012%); highest among the groups gnomAD compares: Middle Eastern, 0.017%; no homozygotes.

Submission:

Labcorp Genetics (formerly Invitae), Labcorp
Classification: Uncertain significance for Congenital hyperammonemia, type I. Last evaluated: 2024-11-11. Review status: criteria provided, single submitter. Criteria: Invitae Variant Classification Sherloc (09022015). Collection method: clinical testing. Allele origin: germline.
Comment: This sequence change replaces asparagine, which is neutral and polar, with serine, which is neutral and polar, at codon 1442 of the CPS1 protein (p.Asn1442Ser). This variant is not present in population databases (gnomAD no frequency). This variant has not been reported in the literature in individuals affected with CPS1-related conditions. ClinVar contains an entry for this variant (Variation ID: 2065292). Invitae Evidence Modeling of protein sequence and biophysical properties (such as structural, functional, and spatial information, amino acid conservation, physicochemical variation, residue mobility, and thermodynamic stability) indicates that this missense variant is not expected to disrupt CPS1 protein function with a negative predictive value of 95%. In summary, the available evidence is currently insufficient to determine the role of this variant in disease. Therefore, it has been classified as a Variant of Uncertain Significance.